The following is an entry in ClinVar:

ClinVar aggregate classification (germline): Conflicting classifications of pathogenicity. Review status: criteria provided, conflicting classifications (1 of 4 stars). 3 submissions from 3 submitters: Uncertain significance (1); Benign (1); Likely benign (1). Last evaluated 2026-01-17.

Conditions:
Arthrogryposis, distal, type 1A. Also called: ARTHROGRYPOSIS MULTIPLEX CONGENITA, DISTAL, TYPE I. Identifiers: Orphanet 1146, MedGen C6022280, MONDO:0007157, OMIM 108120.

Allele frequency attached by ClinVar (database versions not stated): ExAC 0.00026; ESP Exome Variant Server 0.00038; gnomAD 0.00042 and 0.00045; TOPMed 0.00054; 1000 Genomes Project 0.00060.
gnomAD v4.1: 165 of 1,614,094 alleles (0.01%); highest among the groups gnomAD compares: African/African-American, 0.17%; no homozygotes.

Submissions (3):

Labcorp Genetics (formerly Invitae), Labcorp
Classification: Benign for Arthrogryposis, distal, type 1A. Last evaluated: 2026-01-17. Review status: criteria provided, single submitter. Criteria: Invitae Variant Classification Sherloc (09022015). Collection method: clinical testing. Allele origin: germline.

GeneDx
Classification: Likely benign. Last evaluated: 2018-02-15. Review status: criteria provided, single submitter. Criteria: GeneDx Variant Classification (06012015). Collection method: clinical testing. Allele origin: germline. Affected: yes.
Comment: This variant is considered likely benign or benign based on one or more of the following criteria: it is a conservative change, it occurs at a poorly conserved position in the protein, it is predicted to be benign by multiple in silico algorithms, and/or has population frequency not consistent with disease.

Eurofins Ntd Llc (ga)
Classification: Uncertain significance. Last evaluated: 2016-08-24. Review status: criteria provided, single submitter. Criteria: EGL Classification Definitions 2015. Collection method: clinical testing. Allele origin: germline. Observed: 1 variant allele, 1 heterozygote.

NM_003289.4(TPM2):c.726C>T (p.Ala242=)

Gene: TPM2 (tropomyosin 2; minus strand). Cytogenetic location: 9p13.3.
Variant type: single nucleotide variant.
Coding change: c.726C>T on transcript NM_003289.4 (MANE Select); coding-DNA position 726, C replaced by T.
Protein change: p.Ala242=; no amino-acid change (alanine 242 retained).
Molecular consequence: synonymous variant.
Genome position (GRCh38, 1-based): chr9:35,684,292, G>A on the plus strand (C>T on the coding strand, the complement: TPM2 is on the minus strand). VCF-style: chr9-35684292-G-A. GRCh37 (hg19) VCF-style: chr9-35684289-G-A.
Other names: c.726C>T, p.Ala242= (NM_001301226.2, NM_001301227.2, NM_213674.1).
Identifiers: ClinVar variation 289926 (VCV000289926.14), dbSNP rs76414035, ClinGen allele CA5047179.